The following is an entry in ClinVar:

NM_030930.4(UNC93B1):c.1267G>A (p.Ala423Thr)

Gene: UNC93B1 (unc-93B1 regulator of TLR signaling; minus strand). Cytogenetic location: 11q13.2.
Variant type: single nucleotide variant.
Coding change: c.1267G>A on transcript NM_030930.4 (MANE Select); coding-DNA position 1267, G replaced by A.
Protein change: p.Ala423Thr; replaces alanine 423 with threonine.
Molecular consequence: missense variant.
Genome position (GRCh38, 1-based): chr11:67,995,707, C>T on the plus strand (G>A on the coding strand, the complement: UNC93B1 is on the minus strand). VCF-style: chr11-67995707-C-T. GRCh37 (hg19) VCF-style: chr11-67763178-C-T.
Other names: short protein forms A423T.
Identifiers: ClinVar variation 2090864 (VCV002090864.1), dbSNP rs757812939, ClinGen allele CA6145425.

ClinVar aggregate classification (germline): Uncertain significance (1 of 4 stars; one submission).

Conditions:
Encephalopathy, acute, infection-induced (herpes-specific), susceptibility to, 1. Also called: Herpes simplex encephalitis, susceptibility to, 1. Identifiers: Orphanet 1930, MedGen C2750180, MONDO:0024563, OMIM 610551.

Allele frequency attached by ClinVar (database versions not stated): gnomAD 0.00001; gnomAD exomes 0.00001; TOPMed 0.00001; ExAC 0.00006.
gnomAD v4.1: 9 of 1,548,350 alleles (0.00058%); highest among the groups gnomAD compares: Non-Finnish European, 0.00078%; no homozygotes.

Submission:

Labcorp Genetics (formerly Invitae), Labcorp
Classification: Uncertain significance for Encephalopathy, acute, infection-induced (herpes-specific), susceptibility to, 1. Last evaluated: 2022-07-03. Review status: criteria provided, single submitter. Criteria: Invitae Variant Classification Sherloc (09022015). Collection method: clinical testing. Allele origin: germline.
Comment: This sequence change replaces alanine, which is neutral and non-polar, with threonine, which is neutral and polar, at codon 423 of the UNC93B1 protein (p.Ala423Thr). This variant is not present in population databases (gnomAD no frequency). This variant has not been reported in the literature in individuals affected with UNC93B1-related conditions. Experimental studies and prediction algorithms are not available or were not evaluated, and the functional significance of this variant is currently unknown. In summary, the available evidence is currently insufficient to determine the role of this variant in disease. Therefore, it has been classified as a Variant of Uncertain Significance.